The following is an entry in ClinVar:

ClinVar aggregate classification (germline): Likely benign (0 of 4 stars; one submission).

Conditions:
CFAP43-related disorder. Also called: CFAP43-related condition.

Allele frequency attached by ClinVar (database versions not stated): TOPMed below 0.00001; gnomAD 0.00001; gnomAD exomes 0.00002; ExAC 0.00004.
gnomAD v4.1: 29 of 1,613,520 alleles (0.0018%); highest among the groups gnomAD compares: South Asian, 0.03%; no homozygotes.

Submission:

PreventionGenetics, part of Exact Sciences
Classification: Likely benign for CFAP43-related condition. Last evaluated: 2019-04-09. Review status: no assertion criteria provided. Collection method: clinical testing. Allele origin: germline.
Comment: This variant is classified as likely benign based on ACMG/AMP sequence variant interpretation guidelines (Richards et al. 2015 PMID: 25741868, with internal and published modifications).

NM_025145.7(CFAP43):c.4239G>A (p.Gln1413=)

Gene: CFAP43 (cilia and flagella associated protein 43; minus strand). Cytogenetic location: 10q25.1.
Variant type: single nucleotide variant.
Coding change: c.4239G>A on transcript NM_025145.7 (MANE Select); coding-DNA position 4239, G replaced by A.
Protein change: p.Gln1413=; no amino-acid change (glutamine 1413 retained).
Molecular consequence: synonymous variant.
Genome position (GRCh38, 1-based): chr10:104,142,313, C>T on the plus strand (G>A on the coding strand, the complement: CFAP43 is on the minus strand). VCF-style: chr10-104142313-C-T. GRCh37 (hg19) VCF-style: chr10-105902071-C-T.
Identifiers: ClinVar variation 3052061 (VCV003052061.2), dbSNP rs752633786, ClinGen allele CA5680048.